The following is an entry in ClinVar:

ClinVar aggregate classification (germline): Benign/Likely benign. Review status: criteria provided, multiple submitters, no conflicts (2 of 4 stars). 15 submissions from 15 submitters: Benign (9); Likely benign (4). 2 of the submissions do not count toward it. Last evaluated 2026-02-03.

Conditions:
Cardiovascular phenotype. Identifiers: MedGen CN230736.
Arrhythmogenic right ventricular cardiomyopathy (ARVD). Also called: Arrhythmogenic cardiomyopathy; Arrhythmogenic Right Ventricular Cardiomyopathy (ARVC); Cardiomyopathy, ARVC; Arrhythmogenic right ventricular dysplasia. Identifiers: Orphanet 247, MedGen C0349788, MeSH D019571, MONDO:0016587. Disease mechanism: loss of function. Inheritance: Various modes of inheritance.
Long QT syndrome (LQTS). Identifiers: MedGen C0023976, MeSH D008133, MONDO:0002442. Disease mechanism: loss of function. Inheritance: Various modes of inheritance.
Timothy syndrome (TS). Also called: LONG QT SYNDROME WITH SYNDACTYLY. Identifiers: Orphanet 65283, MedGen C1832916, MeSH C536962, MONDO:0010979, OMIM 601005.

Allele frequency attached by ClinVar (database versions not stated): 1000 Genomes Project 0.00859; 1000 Genomes Project 30x 0.00906; gnomAD exomes 0.00262 and 0.01020; TOPMed 0.00441; ExAC 0.00749; ESP Exome Variant Server 0.00138; gnomAD 0.00182.
gnomAD v4.1: 4,350 of 1,612,066 alleles (0.27%); highest among the groups gnomAD compares: Admixed American, 5.7%; 136 homozygotes.

Submissions (15):

Labcorp Genetics (formerly Invitae), Labcorp
Classification: Benign for Long QT syndrome. Last evaluated: 2026-02-03. Review status: criteria provided, single submitter. Criteria: Invitae Variant Classification Sherloc (09022015). Collection method: clinical testing. Allele origin: germline.

ARUP Laboratories, Molecular Genetics and Genomics, ARUP Laboratories
Classification: Benign. Last evaluated: 2025-07-10. Review status: criteria provided, single submitter. Criteria: ARUP Molecular Germline Variant Investigation Process 2024. Collection method: clinical testing. Allele origin: germline.

Genetics and Molecular Pathology, SA Pathology
Classification: Benign for Timothy syndrome. Last evaluated: 2020-06-23. Review status: criteria provided, single submitter. Criteria: ACMG Guidelines, 2015. Collection method: clinical testing. Allele origin: germline. Inheritance: Autosomal dominant inheritance. Affected: yes.
Comment: The CACNA1C c.5665C>T variant is classified as Benign (BA1, BP4) The frequency of this variant in population databases is higher than expected for this disorder indicating this variant is a benign polymorphism (BA1). Multiple lines of computational evidence suggest this variant has no impact on the gene or gene product (BP4). The variant has been reported in dbSNP (rs185788586) and in the HGMD database: CM1413436 - ?disease causing mutation. It has been reported as Benign/Likely benign by other diagnostic laboratories (ClinVar Variation ID: 93417).

Center for Advanced Laboratory Medicine, UC San Diego Health, University of California San Diego
Classification: Likely benign for Arrhythmogenic right ventricular cardiomyopathy. Last evaluated: 2017-08-16. Review status: criteria provided, single submitter. Criteria: ACMG Guidelines, 2015. Collection method: clinical testing. Allele origin: germline. Affected: yes. Observed: 1 variant allele.

Center for Pediatric Genomic Medicine, Children's Mercy Hospital and Clinics
Classification: Benign. Last evaluated: 2017-02-07. Review status: criteria provided, single submitter. Criteria: ACMG Guidelines, 2015. Collection method: clinical testing. Allele origin: germline.

Women's Health and Genetics/Laboratory Corporation of America, LabCorp
Classification: Benign. Last evaluated: 2017-01-16. Review status: criteria provided, single submitter. Criteria: LabCorp Variant Classification Summary - May 2015. Collection method: clinical testing. Allele origin: germline.
Comment: Variant summary: The CACNA1C c.5665C>T (p.Arg1889Cys) variant involves the alteration of a conserved nucleotide. 3/4 in silico tools predict a damaging outcome for this variant (SNPs&GO not captured due to low reliability index). This variant was found in 899/121392 control chromosomes (36 homozygotes), predominantly observed in the Latino subpopulation at a frequency of 0.0728206 (837/11494). This frequency is about 7282 times the estimated maximal expected allele frequency of a pathogenic CACNA1C variant (0.00001), strong evidence that this is a benign polymorphism found primarily in the populations of Latino origin. The variant has been reported in the literature, without strong evidence for causality. In addition, multiple clinical diagnostic laboratories/reputable databases classified this variant as benign. Taken together, this variant is classified as benign.

Mayo Clinic Laboratories, Mayo Clinic
Classification: Benign. Last evaluated: 2016-06-09. Review status: criteria provided, single submitter. Criteria: ACMG Guidelines, 2015. Collection method: clinical testing. Allele origin: germline. Observed: 12 variant alleles.

Ambry Genetics
Classification: Benign for Cardiovascular phenotype. Last evaluated: 2015-09-04. Review status: criteria provided, single submitter. Criteria: Ambry Variant Classification Scheme 2023. Collection method: clinical testing. Allele origin: germline.

Eurofins Ntd Llc (ga)
Classification: Benign. Last evaluated: 2015-07-14. Review status: criteria provided, single submitter. Criteria: EGL Classification Definitions 2015. Collection method: clinical testing. Allele origin: germline. Observed: 1 variant allele, 1 heterozygote.

Biesecker Lab/Clinical Genomics Section, National Institutes of Health
Classification: Likely benign. Last evaluated: 2013-06-24. Review status: criteria provided, single submitter. Criteria: Ng et al. (Circ Cardiovasc Genet. 2013). Collection method: research. Allele origin: unknown. Observed: 1 variant allele. Study: ClinSeq.
Comment: The study set was not selected for affection status in relation to any cancer. Pathogenicity categories were based on literature curation. See Pubmed ID:23861362 for details.

Medical sequencing

GeneDx
Classification: Likely benign. Last evaluated: 2011-09-07. Review status: criteria provided, single submitter. Criteria: GeneDx Variant Classification (06012015). Collection method: clinical testing. Allele origin: germline. Affected: yes.
Comment: This variant is considered likely benign or benign based on one or more of the following criteria: it is a conservative change, it occurs at a poorly conserved position in the protein, it is predicted to be benign by multiple in silico algorithms, and/or has population frequency not consistent with disease.

Breakthrough Genomics
Classification: Likely benign. Review status: criteria provided, single submitter. Criteria: ACMG Guidelines, 2015. Collection method: not provided. Allele origin: germline. Inheritance: Autosomal dominant inheritance. Affected: yes.

PreventionGenetics, part of Exact Sciences
Classification: Benign. Review status: criteria provided, single submitter. Criteria: ACMG Guidelines, 2015. Collection method: clinical testing. Allele origin: germline.

Clinical Genetics, Academic Medical Center
Classification: Benign. Review status: no assertion criteria provided. Collection method: clinical testing. Allele origin: germline. Affected: yes. Study: VKGL Data-share Consensus. Not counted in ClinVar's aggregate classification.

Joint Genome Diagnostic Labs from Nijmegen and Maastricht, Radboudumc and MUMC+
Classification: Benign. Review status: no assertion criteria provided. Collection method: clinical testing. Allele origin: germline. Affected: yes. Study: VKGL Data-share Consensus. Not counted in ClinVar's aggregate classification.

Literature cited by the submitters: PubMed 23861362 (cited by Women's Health and Genetics/Laboratory Corporation of America, LabCorp); PubMed 25661095 (cited by Women's Health and Genetics/Laboratory Corporation of America, LabCorp); PubMed 25447171 (cited by Women's Health and Genetics/Laboratory Corporation of America, LabCorp).

NM_000719.7(CACNA1C):c.5665C>T (p.Arg1889Cys)

Genes: CACNA1C (calcium voltage-gated channel subunit alpha1 C; plus strand), CACNA1C-AS1 (CACNA1C antisense RNA 1; minus strand). Cytogenetic location: 12p13.33.
Variant type: single nucleotide variant.
Coding change: c.5665C>T on transcript NM_000719.7 (MANE Select); coding-DNA position 5665, C replaced by T.
Protein change: p.Arg1889Cys; replaces arginine 1889 with cysteine.
Molecular consequence: missense variant.
Genome position (GRCh38, 1-based): chr12:2,685,827, C>T. VCF-style: chr12-2685827-C-T. GRCh37 (hg19) VCF-style: chr12-2794993-C-T.
Other names: p.R1889C:CGC>TGC; c.5809C>T, p.Arg1937Cys (NM_001129827.2); c.5788C>T, p.Arg1930Cys (NM_001129829.2); c.5770C>T, p.Arg1924Cys (NM_001129830.3, NM_001167624.3); c.5749C>T, p.Arg1917Cys (NM_001129831.2); c.5725C>T, p.Arg1909Cys (NM_001129832.2); c.5722C>T, p.Arg1908Cys (NM_001129833.2, NM_001129834.2, NM_001129835.2); c.5716C>T, p.Arg1906Cys (NM_001129836.2); and 7 more; short protein forms R1889C, R1924C, R1937C, R1949C, R1897C, R1886C, R1895C, R1906C.
Identifiers: ClinVar variation 93417 (VCV000093417.38), dbSNP rs185788586, ClinGen allele CA236956.